The following is an entry in ClinVar:

NM_000091.5(COL4A3):c.172G>A (p.Gly58Ser)

Genes: COL4A3 (collagen type IV alpha 3 chain; plus strand), MFF-DT (MFF divergent transcript; minus strand). Cytogenetic location: 2q36.3.
Variant type: single nucleotide variant.
Coding change: c.172G>A on transcript NM_000091.5 (MANE Select); coding-DNA position 172, G replaced by A.
Protein change: p.Gly58Ser; replaces glycine 58 with serine.
Molecular consequence: missense variant.
Genome position (GRCh38, 1-based): chr2:227,240,170, G>A. VCF-style: chr2-227240170-G-A. GRCh37 (hg19) VCF-style: chr2-228104886-G-A.
Other names: c.172G>A (NM_000091.3); short protein forms G58S.
Identifiers: ClinVar variation 553693 (VCV000553693.25), dbSNP rs184730597, ClinGen allele CA2145933.

ClinVar aggregate classification (germline): Conflicting classifications of pathogenicity. Review status: criteria provided, conflicting classifications (1 of 4 stars). 13 submissions from 13 submitters: Pathogenic (1); Likely pathogenic (5); Uncertain significance (5). 2 of the submissions do not count toward it. Last evaluated 2026-02-26.

Conditions:
Alport syndrome. Also called: Hemorrhagic familial nephritis; Hemorrhagic hereditary nephritis; Congenital hereditary hematuria. Identifiers: Orphanet 63, MedGen C1567741, MONDO:0018965.
Autosomal dominant Alport syndrome (ATS3A). Also called: Alport syndrome dominant type; Renal failure and sensorineural hearing loss; ALPORT SYNDROME 3A, AUTOSOMAL DOMINANT. Identifiers: Orphanet 63, Orphanet 88918, MedGen C5882663, MONDO:0007086, OMIM 104200.
Autosomal recessive Alport syndrome (ATS2). Also called: COL4A4 Alport Syndrome and Thin Basement Membrane Nephropathy; ALPORT SYNDROME 2, AUTOSOMAL RECESSIVE; COL4A3-Related Nephropathy; Alport syndrome type 2. Identifiers: Orphanet 63, Orphanet 88919, MedGen C4746745, MONDO:0008762, OMIM 203780.
Hematuria, benign familial, 2 (BFH2). Identifiers: MedGen C5830421, MONDO:0958186, OMIM 620320.
Alport syndrome 3b, autosomal recessive. Identifiers: MedGen C5882699, MONDO:0957811, OMIM 620536.

Allele frequency attached by ClinVar (database versions not stated): gnomAD exomes 0.00002; gnomAD 0.00004; TOPMed 0.00004; ExAC 0.00006; 1000 Genomes Project 30x 0.00016; 1000 Genomes Project 0.00020.
gnomAD v4.1: 41 of 1,611,166 alleles (0.0025%); highest among the groups gnomAD compares: Admixed American, 0.01%; no homozygotes.

Submissions (13):

Dasa
Classification: Uncertain significance. Last evaluated: 2026-02-26. Review status: criteria provided, single submitter. Criteria: DASA Assertion Criteria. Collection method: clinical testing. Allele origin: germline.
Comment: NM_000091.5(COL4A3):c.172G>A (p.Gly58Ser) is a missense variant that results in the substitution of glycine with serine. The affected residue or protein region has prior evidence supporting clinical relevance. This variant has been recurrently observed in individuals with COL4A3-related disorders (PMID: 24854265; PMID: 39202375). Also, this variant is rare in population databases. Computational prediction algorithms are consistent with a deleterious effect. The currently available literature and clinical evidence are not sufficient to establish a definitive association between this variant and the reported condition. Therefore, this variant is classified as a variant of uncertain significance.

Natera, Inc.
Classification: Likely pathogenic for Alport syndrome. Last evaluated: 2025-08-19. Review status: criteria provided, single submitter. Criteria: Natera Variant Classification Schema (03/2026). Collection method: clinical testing. Allele origin: germline.
Comment: The c.172G>A variant in COL4A3 is a missense variant predicted to cause substitution of glycine to serine at amino acid 58. This variant is rare in the general population with a frequency below the threshold expected for the associated phenotype(s). This variant is located in a functionally critical region of the protein. Computational prediction algorithms indicate this variant is likely to affect gene or protein function. Given the available evidence, this variant is classified as Likely Pathogenic.

Athena Diagnostics
Classification: Pathogenic. Last evaluated: 2024-11-22. Review status: criteria provided, single submitter. Criteria: Athena Diagnostics Criteria. Collection method: clinical testing. Allele origin: unknown.
Comment: This variant alters a critical location within the protein, and is expected to severely affect function and cause disease. The frequency of this variant in the general population is consistent with pathogenicity. This variant has been identified in at least one individual with clinical features of Alport syndrome. The majority of the pathogenic variants in this gene involve the substitution of a glycine residue in the triple-helix domain, resulting in disruption of protein function (PMID: 29632050, 21421911, 19344236). Polyphen and MutationTaster predict this amino acid change may be damaging to the protein.

Fulgent Genetics
Classification: Likely pathogenic for Autosomal dominant Alport syndrome; Hematuria, benign familial, 2; Alport syndrome 3b, autosomal recessive. Last evaluated: 2024-06-18. Review status: criteria provided, single submitter. Criteria: ACMG Guidelines, 2015. Collection method: clinical testing. Allele origin: germline.

Labcorp Genetics (formerly Invitae), Labcorp
Classification: Uncertain significance. Last evaluated: 2024-06-10. Review status: criteria provided, single submitter. Criteria: Invitae Variant Classification Sherloc (09022015). Collection method: clinical testing. Allele origin: germline.
Comment: This sequence change replaces glycine, which is neutral and non-polar, with serine, which is neutral and polar, at codon 58 of the COL4A3 protein (p.Gly58Ser). This variant is present in population databases (rs184730597, gnomAD 0.01%). This missense change has been observed in individual(s) with clinical features of benign familial hematuria (PMID: 24854265). ClinVar contains an entry for this variant (Variation ID: 553693). Advanced modeling of protein sequence and biophysical properties (such as structural, functional, and spatial information, amino acid conservation, physicochemical variation, residue mobility, and thermodynamic stability) has been performed at Invitae for this missense variant, however the output from this modeling did not meet the statistical confidence thresholds required to predict the impact of this variant on COL4A3 protein function. In summary, the available evidence is currently insufficient to determine the role of this variant in disease. Therefore, it has been classified as a Variant of Uncertain Significance.

GeneDx
Classification: Uncertain significance. Last evaluated: 2024-03-27. Review status: criteria provided, single submitter. Criteria: GeneDx Variant Classification Process June 2021. Collection method: clinical testing. Allele origin: germline. Affected: yes.
Comment: Reported in the published literature in an individual with benign familial hematuria (PMID: 24854265); In silico analysis supports that this missense variant has a deleterious effect on protein structure/function; This variant is associated with the following publications: (PMID: 34426522, 34400539, 28632965, 24854265)

Women's Health and Genetics/Laboratory Corporation of America, LabCorp
Classification: Uncertain significance. Last evaluated: 2023-01-20. Review status: criteria provided, single submitter. Criteria: LabCorp Variant Classification Summary - May 2015. Collection method: clinical testing. Allele origin: germline.
Comment: Variant summary: COL4A3 c.172G>A (p.Gly58Ser) results in a non-conservative amino acid change located in the Collagen triple helix repeat (IPR008160) region of the encoded protein sequence. Five of five in-silico tools predict a damaging effect of the variant on protein function. The variant allele was found at a frequency of 2.5e-05 in 243384 control chromosomes (gnomAD). The available data on variant occurrences in the general population are insufficient to allow any conclusion about variant significance. c.172G>A has been reported in the literature in at-least one individual affected with benign familial hematuria (example: Moriniere_2014). These data do not allow any conclusion about variant significance. To our knowledge, no experimental evidence demonstrating an impact on protein function has been reported. Two clinical diagnostic laboratories have submitted clinical-significance assessments for this variant to ClinVar after 2014 and classified the variant as likely pathogenic, and one laboratory classified the variant as uncertain significance. Based on the evidence outlined above, the variant was classified as uncertain significance.

Laboratory of Medical Genetics, National & Kapodistrian University of Athens
Classification: Likely pathogenic for Autosomal dominant Alport syndrome. Last evaluated: 2022-10-21. Review status: criteria provided, single submitter. Criteria: ACMG Guidelines, 2015. Collection method: clinical testing. Allele origin: germline. Affected: yes.
Comment: PM1, PM2, PP3, PP5

Revvity Omics, Revvity
Classification: Likely pathogenic. Last evaluated: 2022-08-11. Review status: criteria provided, single submitter. Criteria: ACMG Guidelines, 2015. Collection method: clinical testing. Allele origin: germline.

Blueprint Genetics
Classification: Uncertain significance. Last evaluated: 2022-01-06. Review status: criteria provided, single submitter. Criteria: ACMG Guidelines, 2015. Collection method: clinical testing. Allele origin: germline.

Victorian Clinical Genetics Services, Murdoch Childrens Research Institute
Classification: Likely pathogenic for Alport syndrome. Last evaluated: 2020-05-25. Review status: criteria provided, single submitter. Criteria: ACMG Guidelines, 2015. Collection method: clinical testing. Allele origin: germline. Affected: yes.
Comment: Based on the classification scheme VCGS_Germline_v1.1.1, this variant is classified as Likely pathogenic. Following criteria are met: 0102 - Loss-of-function is a known mechanism of disease for this gene. (N) 0104 - Dominant Negative is a mechanism of disease for this gene. (N) 0108 - This gene is known to be associated with both recessive and dominant disease. (N) 0200 - Variant is predicted to result in a missense amino acid change from glycine to serine (exon 3). (N) 0251 - Variant is heterozygous. (N) 0302 - Variant is present in gnomAD <0.001 (6 heterozygotes, 0 homozygotes). (P) 0501 - Missense variant consistently predicted to be damaging by multiple in silico tools or highly conserved with a major amino acid change. (P) 0601 - Variant affects at least one well-established (essential) functional domain or motif (glycine residue of the Gly-X-Y motif in triple helical region; PDB). (P) 0705 - No comparable variants have previous evidence for pathogenicity. (N) 0808 - Previous reports of pathogenicity are conflicting. This variant has been reported as likely pathogenic and a variant of uncertain significance (ClinVar, PMIDs: 28632965, 24854265). It has been reported in a glomerular familial microscopic hematuria (FMH) patient cohort and a hematuric nephropathy patient cohort. (N) 0905 - No segregation evidence has been identified for this variant. (N) 1007 - No published functional evidence has been identified for this variant. (N) 1208 - Inheritance information for this variant is not currently available. (N) Legend: (P) - Pathogenic, (N) - Neutral, (B) - Benign

Gharavi Laboratory, Columbia University
Classification: Likely pathogenic. Last evaluated: 2018-09-16. Review status: no assertion criteria provided. Criteria: ACMG Guidelines, 2015. Collection method: research. Allele origin: germline. Affected: yes. Not counted in ClinVar's aggregate classification.

Counsyl
Classification: Uncertain significance for Autosomal recessive Alport syndrome. Last evaluated: 2017-09-12. Review status: no assertion criteria provided. Collection method: clinical testing. Allele origin: unknown. Not counted in ClinVar's aggregate classification.

Literature cited by the submitters: PubMed 24854265 (cited by 5 submitters); PubMed 39202375 (cited by Dasa and Athena Diagnostics); PubMed 34400539 (cited by Athena Diagnostics and Women's Health and Genetics/Laboratory Corporation of America, LabCorp); PubMed 28632965 (cited by 3 submitters); PubMed 34426522 (cited by Athena Diagnostics); PubMed 36227435 (cited by Athena Diagnostics); PubMed 37086329 (cited by Athena Diagnostics); PubMed 30586318 (cited by Athena Diagnostics).